The following is an entry in ClinVar:

NM_001369.3(DNAH5):c.5272-4A>T

Gene: DNAH5 (dynein axonemal heavy chain 5; minus strand). Cytogenetic location: 5p15.2.
Variant type: single nucleotide variant.
Coding change: c.5272-4A>T on transcript NM_001369.3 (MANE Select); 4 bases into the intron before coding-DNA position 5272, A replaced by T.
Molecular consequence: intron variant.
Genome position (GRCh38, 1-based): chr5:13,841,908, T>A on the plus strand (A>T on the coding strand, the complement: DNAH5 is on the minus strand). VCF-style: chr5-13841908-T-A. GRCh37 (hg19) VCF-style: chr5-13842017-T-A.
Identifiers: ClinVar variation 704167 (VCV000704167.14), dbSNP rs569920273, ClinGen allele CA3203714.
Genomic context (GRCh38, chr5:13,841,908, plus strand): 5'-ATCCAATTCAATCGTCTCACCCTCTTGAGAGGAAATTGACAGAATTCGATCATAGATCTA[T>A]GTTAGAAACCAAAAAAAAAAAAAAAAAAAGCTATAGTCATATAAAAAGTAAAAACTAATT-3'

ClinVar aggregate classification (germline): Likely benign. Review status: criteria provided, multiple submitters, no conflicts (2 of 4 stars). 3 submissions from 3 submitters: Likely benign (2). 1 of the submissions does not count toward it. Last evaluated 2025-07-31.

Conditions:
DNAH5-related disorder. Also called: DNAH5-related condition.
Primary ciliary dyskinesia. Also called: Ciliary dyskinesia. Identifiers: Orphanet 244, MedGen C0008780, MONDO:0016575, HP:0012265.

Allele frequency attached by ClinVar (database versions not stated): gnomAD below 0.00001 and 0.00006; 1000 Genomes Project 30x 0.00016; 1000 Genomes Project 0.00020; gnomAD exomes 0.00022; ExAC 0.00026.
gnomAD v4.1: 155 of 1,370,742 alleles (0.011%); highest among the groups gnomAD compares: South Asian, 0.19%; 1 homozygote.

Submissions (3):

Labcorp Genetics (formerly Invitae), Labcorp
Classification: Likely benign for Primary ciliary dyskinesia. Last evaluated: 2025-07-31. Review status: criteria provided, single submitter. Criteria: Invitae Variant Classification Sherloc (09022015). Collection method: clinical testing. Allele origin: germline.

Blueprint Genetics
Classification: Likely benign. Last evaluated: 2023-03-30. Review status: criteria provided, single submitter. Criteria: ACMG Guidelines, 2015. Collection method: clinical testing. Allele origin: germline.

PreventionGenetics, part of Exact Sciences
Classification: Likely benign for DNAH5-related condition. Last evaluated: 2019-02-22. Review status: no assertion criteria provided. Collection method: clinical testing. Allele origin: germline. Not counted in ClinVar's aggregate classification.
Comment: This variant is classified as likely benign based on ACMG/AMP sequence variant interpretation guidelines (Richards et al. 2015 PMID: 25741868, with internal and published modifications).